The following is an entry in ClinVar:

NM_000048.4(ASL):c.400G>A (p.Gly134Ser)

Gene: ASL (argininosuccinate lyase; plus strand). Cytogenetic location: 7q11.21.
Variant type: single nucleotide variant.
Coding change: c.400G>A on transcript NM_000048.4 (MANE Select); coding-DNA position 400, G replaced by A.
Protein change: p.Gly134Ser; replaces glycine 134 with serine.
Molecular consequence: missense variant.
Genome position (GRCh38, 1-based): chr7:66,083,128, G>A. VCF-style: chr7-66083128-G-A. GRCh37 (hg19) VCF-style: chr7-65548115-G-A.
Other names: c.400G>A, p.Gly134Ser (NM_001024943.2, NM_001024944.2, NM_001024946.2); short protein forms G134S.
Identifiers: ClinVar variation 1506535 (VCV001506535.3), dbSNP rs2115700439, ClinGen allele CA367639370.

ClinVar aggregate classification (germline): Uncertain significance (1 of 4 stars; one submission).

Conditions:
Argininosuccinate lyase deficiency. Also called: Argininosuccinic aciduria; ARGININOSUCCINIC ACID LYASE DEFICIENCY; ASL DEFICIENCY. Identifiers: Orphanet 23, MedGen C0268547, MONDO:0008815, OMIM 207900, HP:0025630.

Allele frequency attached by ClinVar (database versions not stated): gnomAD exomes below 0.00001.
gnomAD v4.1: 1 of 1,613,512 alleles (0.000062%); highest among the groups gnomAD compares: Middle Eastern, 0.017%; no homozygotes.

Submission:

Labcorp Genetics (formerly Invitae), Labcorp
Classification: Uncertain significance for Argininosuccinate lyase deficiency. Last evaluated: 2022-10-03. Review status: criteria provided, single submitter. Criteria: Invitae Variant Classification Sherloc (09022015). Collection method: clinical testing. Allele origin: germline.
Comment: This sequence change replaces glycine, which is neutral and non-polar, with serine, which is neutral and polar, at codon 134 of the ASL protein (p.Gly134Ser). This variant is not present in population databases (gnomAD no frequency). This variant has not been reported in the literature in individuals affected with ASL-related conditions. ClinVar contains an entry for this variant (Variation ID: 1506535). Advanced modeling of protein sequence and biophysical properties (such as structural, functional, and spatial information, amino acid conservation, physicochemical variation, residue mobility, and thermodynamic stability) performed at Invitae indicates that this missense variant is not expected to disrupt ASL protein function. In summary, the available evidence is currently insufficient to determine the role of this variant in disease. Therefore, it has been classified as a Variant of Uncertain Significance.